The following is an entry in ClinVar:

ClinVar aggregate classification (germline): Pathogenic. Review status: criteria provided, multiple submitters, no conflicts (2 of 4 stars). 5 submissions from 5 submitters: Pathogenic (5). Last evaluated 2025-04-14.

Conditions:
Mitochondrial complex IV deficiency, nuclear type 1 (MC4DN1). Also called: Complex 4 mitochondrial respiratory chain deficiency; Deficiency of mitochondrial respiratory chain complex4; Complex IV deficiency; COX DEFICIENCY; Mitochondrial complex IV deficiency. Identifiers: MedGen C5435656, MONDO:0700250, OMIM 220110. Disease mechanism: loss of function.
Charcot-Marie-Tooth disease type 4K. Also called: CHARCOT-MARIE-TOOTH DISEASE, DEMYELINATING, AUTOSOMAL RECESSIVE, TYPE 4K; CHARCOT-MARIE-TOOTH NEUROPATHY, DEMYELINATING, AUTOSOMAL RECESSIVE, TYPE 4K; CHARCOT-MARIE-TOOTH DISEASE, DEMYELINATING, TYPE 4K. Identifiers: Orphanet 391351, MedGen C4225246, MONDO:0014733, OMIM 616684.
Leigh syndrome (NULS). Also called: Subacute necrotizing encephalopathy; Necrotizing encephalopathy infantile subacute of Leigh; LEIGH SYNDROME, NUCLEAR; Leigh's necrotizing encephalopathy; Leigh's disease; Leigh Syndrome (mtDNA deletion). Identifiers: Orphanet 506, MedGen C2931891, MONDO:0009723, OMIM 256000.

Allele frequency attached by ClinVar (database versions not stated): gnomAD exomes 0.00002; ExAC 0.00003.
gnomAD v4.1: 10 of 1,609,746 alleles (0.00062%); highest among the groups gnomAD compares: East Asian, 0.0089%; no homozygotes.

Submissions (6):

Labcorp Genetics (formerly Invitae), Labcorp
Classification: Pathogenic for Leigh syndrome. Last evaluated: 2025-04-14. Review status: criteria provided, single submitter. Criteria: Invitae Variant Classification Sherloc (09022015). Collection method: clinical testing. Allele origin: germline.
Comment: This sequence change affects an acceptor splice site in intron 5 of the SURF1 gene. It is expected to disrupt RNA splicing. Variants that disrupt the donor or acceptor splice site typically lead to a loss of protein function (PMID: 16199547), and loss-of-function variants in SURF1 are known to be pathogenic (PMID: 10443880, 22488715, 24027061). This variant is present in population databases (rs782682492, gnomAD 0.02%). Disruption of this splice site has been observed in individual(s) with SURF1-related conditions (PMID: 22488715, 23829769, 27475922). In at least one individual the data is consistent with being in trans (on the opposite chromosome) from a pathogenic variant. It has also been observed to segregate with disease in related individuals. ClinVar contains an entry for this variant (Variation ID: 633010). Algorithms developed to predict the effect of sequence changes on RNA splicing suggest that this variant may disrupt the consensus splice site. For these reasons, this variant has been classified as Pathogenic.

CeGaT Center for Human Genetics Tuebingen
Classification: Pathogenic. Last evaluated: 2025-02-01. Review status: criteria provided, single submitter. Criteria: CeGaT Center For Human Genetics Tuebingen Variant Classification Criteria Version 2. Collection method: clinical testing. Allele origin: germline. Affected: yes. Observed: 4 variant alleles.
Comment: SURF1: PVS1, PM2, PM3

GeneDx
Classification: Pathogenic. Last evaluated: 2022-04-26. Review status: criteria provided, single submitter. Criteria: GeneDx Variant Classification Process June 2021. Collection method: clinical testing. Allele origin: germline. Affected: yes.
Comment: Canonical splice site variant in a gene for which loss-of-function is a known mechanism of disease; This variant is associated with the following publications: (PMID: 27475922, 23829769, 22887355, 22488715, 23084792, 32959227)

Women's Health and Genetics/Laboratory Corporation of America, LabCorp
Classification: Pathogenic. Last evaluated: 2017-11-02. Review status: criteria provided, single submitter. Criteria: LabCorp Variant Classification Summary - May 2015. Collection method: clinical testing. Allele origin: germline.
Comment: Variant summary: The SURF1 c.516-2A>G variant involves the alteration of a conserved intronic nucleotide. One in silico tool predicts a damaging outcome for this variant. 4/5 splice prediction tools predict the variant significantly impacts normal splicing. This variant was found in 5/239598 control chromosomes at a frequency of 0.0000209, which does not exceed the estimated maximal expected allele frequency of a pathogenic SURF1 variant (0.0017678). The variant has been reported in numerous Leigh syndrome patients, both as a homozygous and compound heterozygous allele (Wedatilake_2013; Lim_2014)), and one report suggests the variant significantly reduces the activity of mitochondrial complex IV in patient fibroblasts (Lim_2014). Taken together, this variant is classified as pathogenic.

Juno Genomics, Hangzhou Juno Genomics, Inc
Classification: Pathogenic for Charcot-Marie-Tooth disease type 4K; Mitochondrial complex IV deficiency, nuclear type 1. Review status: criteria provided, single submitter. Criteria: ACMG Guidelines, 2015. Collection method: clinical testing. Allele origin: germline.
Comment: Absent from controls (or at extremely low frequency if recessive) in Genome Aggregation Database.;Null variant in a gene where loss of function (LOF) is a known mechanism of disease.;For recessive disorders, detected in trans with a pathogenic variant.;Co-segregation with disease in multiple affected family members.;Patient's phenotype or family history is highly specific for a disease with a single genetic etiology.

Dr. Peter K. Rogan Lab, Western University
No classification provided (evidence only). Condition: Ovarian serous cystadenocarcinoma. Review status: no classification provided. Collection method: in vitro. Allele origin: not applicable. Functional consequence: retained intron. Not counted in ClinVar's aggregate classification.

Literature cited by the submitters: PubMed 16199547 (cited by Labcorp Genetics (formerly Invitae), Labcorp); PubMed 10443880 (cited by Labcorp Genetics (formerly Invitae), Labcorp); PubMed 22488715 (cited by Labcorp Genetics (formerly Invitae), Labcorp); PubMed 24027061 (cited by Labcorp Genetics (formerly Invitae), Labcorp); PubMed 23829769 (cited by Labcorp Genetics (formerly Invitae), Labcorp and Women's Health and Genetics/Laboratory Corporation of America, LabCorp); PubMed 27475922 (cited by Labcorp Genetics (formerly Invitae), Labcorp and Women's Health and Genetics/Laboratory Corporation of America, LabCorp).

NM_003172.4(SURF1):c.516-2A>G

Gene: SURF1 (SURF1 cytochrome c oxidase assembly factor; minus strand). Cytogenetic location: 9q34.2.
Variant type: single nucleotide variant.
Coding change: c.516-2A>G on transcript NM_003172.4 (MANE Select); the canonical splice acceptor site of the intron before coding-DNA position 516, A replaced by G.
Molecular consequence: splice acceptor variant.
Genome position (GRCh38, 1-based): chr9:133,352,768, T>C on the plus strand (A>G on the coding strand, the complement: SURF1 is on the minus strand). VCF-style: chr9-133352768-T-C. GRCh37 (hg19) VCF-style: chr9-136219623-T-C.
Other names: c.189-2A>G (NM_001280787.1).
Identifiers: ClinVar variation 633010 (VCV000633010.47), dbSNP rs782682492, ClinGen allele CA200832536.